The following is an entry in ClinVar:

ClinVar aggregate classification (germline): Benign/Likely benign. Review status: criteria provided, multiple submitters, no conflicts (2 of 4 stars). 6 submissions from 6 submitters: Benign (1); Likely benign (4). 1 of the submissions does not count toward it. Last evaluated 2025-12-24.

Conditions:
GFM2-related disorder. Also called: GFM2-related condition.

Allele frequency attached by ClinVar (database versions not stated): gnomAD exomes 0.00030 and 0.00070; gnomAD 0.00262 and 0.00254; ESP Exome Variant Server 0.00192; 1000 Genomes Project 30x 0.00453; ExAC 0.00090; TOPMed 0.00290; 1000 Genomes Project 0.00439.
gnomAD v4.1: 851 of 1,611,680 alleles (0.053%); highest among the groups gnomAD compares: African/African-American, 0.85%; 4 homozygotes.

Submissions (6):

Labcorp Genetics (formerly Invitae), Labcorp
Classification: Likely benign. Last evaluated: 2025-12-24. Review status: criteria provided, single submitter. Criteria: Invitae Variant Classification Sherloc (09022015). Collection method: clinical testing. Allele origin: germline.

Blueprint Genetics
Classification: Likely benign. Last evaluated: 2024-09-25. Review status: criteria provided, single submitter. Criteria: ACMG Guidelines, 2015. Collection method: clinical testing. Allele origin: germline.

CeGaT Center for Human Genetics Tuebingen
Classification: Likely benign. Last evaluated: 2023-04-01. Review status: criteria provided, single submitter. Criteria: CeGaT Center For Human Genetics Tuebingen Variant Classification Criteria Version 2. Collection method: clinical testing. Allele origin: germline. Affected: yes. Observed: 1 variant allele.
Comment: GFM2: BP4, BS2

GeneDx
Classification: Benign. Last evaluated: 2014-06-09. Review status: criteria provided, single submitter. Criteria: GeneDx Variant Classification (06012015). Collection method: clinical testing. Allele origin: germline. Affected: yes.
Comment: This variant is considered likely benign or benign based on one or more of the following criteria: it is a conservative change, it occurs at a poorly conserved position in the protein, it is predicted to be benign by multiple in silico algorithms, and/or has population frequency not consistent with disease.

Breakthrough Genomics
Classification: Likely benign. Review status: criteria provided, single submitter. Criteria: ACMG Guidelines, 2015. Collection method: not provided. Allele origin: germline. Inheritance: Autosomal recessive inheritance. Affected: yes.

PreventionGenetics, part of Exact Sciences
Classification: Likely benign for GFM2-related condition. Last evaluated: 2022-02-11. Review status: no assertion criteria provided. Collection method: clinical testing. Allele origin: germline. Not counted in ClinVar's aggregate classification.
Comment: This variant is classified as likely benign based on ACMG/AMP sequence variant interpretation guidelines (Richards et al. 2015 PMID: 25741868, with internal and published modifications).

NM_032380.5(GFM2):c.1880T>C (p.Ile627Thr)

Gene: GFM2 (GTP dependent ribosome recycling factor mitochondrial GFM2; minus strand). Cytogenetic location: 5q13.3.
Variant type: single nucleotide variant.
Coding change: c.1880T>C on transcript NM_032380.5 (MANE Select); coding-DNA position 1880, T replaced by C.
Protein change: p.Ile627Thr; replaces isoleucine 627 with threonine.
Molecular consequence: missense variant. On other transcripts: non-coding transcript variant (1).
Genome position (GRCh38, 1-based): chr5:74,725,973, A>G on the plus strand (T>C on the coding strand, the complement: GFM2 is on the minus strand). VCF-style: chr5-74725973-A-G. GRCh37 (hg19) VCF-style: chr5-74021798-A-G.
Other names: p.I627T:ATT>ACT; c.1976T>C, p.Ile659Thr (NM_001281302.2); c.1739T>C, p.Ile580Thr (NM_170691.3); short protein forms I627T, I580T, I659T.
Identifiers: ClinVar variation 214505 (VCV000214505.35), dbSNP rs34845453, ClinGen allele CA319772.